The following is an entry in ClinVar:

ClinVar aggregate classification (germline): Likely pathogenic. Review status: criteria provided, single submitter (1 of 4 stars). 2 submissions from 2 submitters: Likely pathogenic (1). 1 of the submissions does not count toward it. Last evaluated 2024-02-23.

Conditions:
Tuberous sclerosis syndrome (TSC). Also called: Tuberous Sclerosis Complex; Tuberous sclerosis. Identifiers: Orphanet 805, MedGen C0041341, MONDO:0001734.

Submissions (2):

Athena Diagnostics
Classification: Likely pathogenic. Last evaluated: 2024-02-23. Review status: criteria provided, single submitter. Criteria: Athena Diagnostics Criteria. Collection method: clinical testing. Allele origin: unknown.
Comment: This variant has been identified in several individuals with clinical features associated with this gene and appears to occur de novo in at least one individual. This variant has not been reported in large, multi-ethnic general populations. Assessment of experimental evidence suggests this variant results in abnormal protein function. (personal communication related to LOVD BD-ID: TSC2_000888)

Tuberous sclerosis database (TSC2)
No classification provided. Condition: TSC. Review status: no classification provided. Criteria: Tuberous Sclerosis Database Assertion Criteria 2015. Collection method: curation. Allele origin: germline. Affected: yes. Not counted in ClinVar's aggregate classification.

Literature cited by the submitters: PubMed 17304050 (cited by Athena Diagnostics).

NM_000548.5(TSC2):c.5050T>C (p.Ser1684Pro)

Gene: TSC2 (TSC complex subunit 2; plus strand). Cytogenetic location: 16p13.3.
Variant type: single nucleotide variant.
Coding change: c.5050T>C on transcript NM_000548.5 (MANE Select); coding-DNA position 5050, T replaced by C.
Protein change: p.Ser1684Pro; replaces serine 1684 with proline.
Molecular consequence: missense variant.
Genome position (GRCh38, 1-based): chr16:2,087,923, T>C. VCF-style: chr16-2087923-T-C. GRCh37 (hg19) VCF-style: chr16-2137924-T-C.
Other names: c.4918T>C, p.Ser1640Pro (NM_001370404.1); c.4921T>C, p.Ser1641Pro (NM_001370405.1, NM_021055.3); c.4849T>C, p.Ser1617Pro (NM_001077183.3); c.4981T>C, p.Ser1661Pro (NM_001114382.3); c.4741T>C, p.Ser1581Pro (NM_001318827.2); c.4705T>C, p.Ser1569Pro (NM_001318829.2); c.4318T>C, p.Ser1440Pro (NM_001318831.2); c.4882T>C, p.Ser1628Pro (NM_001318832.2); and 1 more; short protein forms S1684P, S1640P, S1661P, S1581P, S1440P, S1617P, S1618P, S1628P.
Identifiers: ClinVar variation 49343 (VCV000049343.3), dbSNP rs45517387, ClinGen allele CA021580.